The following is an entry in ClinVar:

NM_194248.3(OTOF):c.3865-2A>G

Gene: OTOF (otoferlin; minus strand). Cytogenetic location: 2p23.3.
Variant type: single nucleotide variant.
Coding change: c.3865-2A>G on transcript NM_194248.3 (MANE Select); the canonical splice acceptor site of the intron before coding-DNA position 3865, A replaced by G.
Molecular consequence: splice acceptor variant.
Genome position (GRCh38, 1-based): chr2:26,471,152, T>C on the plus strand (A>G on the coding strand, the complement: OTOF is on the minus strand). VCF-style: chr2-26471152-T-C. GRCh37 (hg19) VCF-style: chr2-26694020-T-C.
Other names: c.3865-2A>G (NM_001287489.2); c.1564-2A>G (NM_194323.3, NM_004802.4); c.1795-2A>G (NM_194322.3).
Identifiers: ClinVar variation 429252 (VCV000429252.2), dbSNP rs1131691278, ClinGen allele CA346101257.
Genomic context (GRCh38, chr2:26,471,152, plus strand): 5'-CAGAGCCCCTGCATGGCCCCCACACTCACCACATCCACCTTGACAACAGCTTCAGAAGTC[T>C]GCAGAGGAACCAAGGAGACAGGGGCAGAATCAGCCACTGGGGCCTGGAGTGGCAGGCAGT-3'

ClinVar aggregate classification (germline): Uncertain significance (1 of 4 stars; one submission).

Submission:

GeneDx
Classification: Uncertain significance. Last evaluated: 2017-05-03. Review status: criteria provided, single submitter. Criteria: GeneDx Variant Classification (06012015). Collection method: clinical testing. Allele origin: germline. Affected: yes.
Comment: The c.3865-2A>G variant in the OTOF gene has not been reported previously as a pathogenic variant nor as a benign variant, to our knowledge. The c.3865-2A>G variant destroys the canonical splice acceptor site in intron 30. This splice site variant is predicted to cause abnormal gene splicing resulting in an in-frame protein product with an abnormal message. However, in the absence of RNA/functional studies, the actual effect of c.3865-2A>G in this individual is unknown. The c.3865-2A>G variant is not observed in large population cohorts (Lek et al., 2016; 1000 Genomes Consortium et al., 2015; Exome Variant Server). We interpret c.3865-2A>G as a variant of uncertain significance.